The following is an entry in ClinVar:

NM_004586.3(RPS6KA3):c.1582G>C (p.Glu528Gln)

Gene: RPS6KA3 (ribosomal protein S6 kinase A3; minus strand). Cytogenetic location: Xp22.12.
Variant type: single nucleotide variant.
Coding change: c.1582G>C on transcript NM_004586.3 (MANE Select); coding-DNA position 1582, G replaced by C.
Protein change: p.Glu528Gln; replaces glutamic acid 528 with glutamine.
Molecular consequence: missense variant.
Genome position (GRCh38, 1-based): chrX:20,167,609, C>G on the plus strand (G>C on the coding strand, the complement: RPS6KA3 is on the minus strand). VCF-style: chrX-20167609-C-G. GRCh37 (hg19) VCF-style: chrX-20185727-C-G.
Other names: short protein forms E528Q.
Identifiers: ClinVar variation 3900890 (VCV003900890.1).

ClinVar aggregate classification (germline): Uncertain significance (1 of 4 stars; one submission).

Submission:

GeneDx
Classification: Uncertain significance. Last evaluated: 2024-11-27. Review status: criteria provided, single submitter. Criteria: GeneDx Variant Classification Process June 2021. Collection method: clinical testing. Allele origin: germline. Affected: yes.
Comment: Not observed at significant frequency in large population cohorts (gnomAD); In silico analysis indicates that this missense variant does not alter protein structure/function; Has not been previously published as pathogenic or benign to our knowledge